The following is an entry in ClinVar:

ClinVar aggregate classification (germline): Benign. Review status: reviewed by expert panel (3 of 4 stars). 3 submissions from 3 submitters: Benign (1). 2 of the submissions do not count toward it. Last evaluated 2024-05-03.

Conditions:
Pulmonary arterial hypertension. Identifiers: Orphanet 182090, MedGen C2973725, MeSH D000081029, MONDO:0015924, HP:0002092.
Pulmonary hypertension, primary, 1 (PPH1). Also called: Pulmonary hypertension, familial primary, 1, with or without HHT. Identifiers: Orphanet 422, MedGen C4552070, MONDO:0024533, OMIM 178600.

Allele frequency attached by ClinVar (database versions not stated): 1000 Genomes Project 30x 0.00453; gnomAD 0.00484 and 0.00527.
gnomAD v4.1: 617 of 127,596 alleles (0.48%); highest among the groups gnomAD compares: African/African-American, 1.5%; 2 homozygotes.

Submissions (3):

Clingen Pulmonary Hypertension Variant Curation Expert Panel, ClinGen
Classification: Benign for Pulmonary arterial hypertension. Last evaluated: 2024-05-03. Review status: reviewed by expert panel. Criteria: ClinGen PH ACMG Specifications BMPR2 V1.1.0. Collection method: curation. Allele origin: germline. Inheritance: Autosomal dominant inheritance.
Comment: The BMPR2 NM_001247.7 c.-924A>G variant is a 5' UTR variant with ClinVar variation ID: 897238 and allele ID: 883358. The highest population minor allele frequency in gnomAD v3.1.2 controls is 1.45% (115/7926 alleles, including 2 homozygotes) in the African/African American population, which is higher than the ClinGen Pulmonary Hypertension VCEP threshold of >1% for BA1, and therefore meets this stand-alone criterion (BA1). BS2_supporting was met based on the 2 observed homozygotes among gnomAD controls. BP4 was met based on the computational predictor, CADD, giving a score of 9.47 which is below the PH VCEP threshold of <=10.0. In summary, the variant meets the criteria to be classified as benign for pulmonary arterial hypertension based on ACMG/AMP criteria applied, as specified by the ClinGen Pulmonary Hypertension VCEP: BA1, BS2_supporting, BP4 (VCEP specification version 1.1, 1/18/2024).

GeneDx
Classification: Likely benign. Last evaluated: 2018-07-07. Review status: criteria provided, single submitter. Criteria: GeneDx Variant Classification Process June 2021. Collection method: clinical testing. Allele origin: germline. Affected: yes. Not counted in ClinVar's aggregate classification.

Illumina Laboratory Services, Illumina
Classification: Uncertain significance for Pulmonary hypertension, primary, 1. Last evaluated: 2018-01-13. Review status: criteria provided, single submitter. Criteria: ICSL Variant Classification Criteria 13 December 2019. Collection method: clinical testing. Allele origin: germline. Not counted in ClinVar's aggregate classification.

NM_001204.7(BMPR2):c.-924A>G

Gene: BMPR2 (bone morphogenetic protein receptor type 2; plus strand). Cytogenetic location: 2q33.1.
Variant type: single nucleotide variant.
Coding change: c.-924A>G on transcript NM_001204.7 (MANE Select); 924 bases upstream of the start codon, A replaced by G.
Molecular consequence: 5 prime UTR variant.
Genome position (GRCh38, 1-based): chr2:202,376,551, A>G. VCF-style: chr2-202376551-A-G. GRCh37 (hg19) VCF-style: chr2-203241274-A-G.
Identifiers: ClinVar variation 897238 (VCV000897238.8), dbSNP rs1231549120, ClinGen allele CA539000938.
Genomic context (GRCh38, chr2:202,376,551, plus strand): 5'-CCCAGAGCTGCGGGAGAACGAGGCGGCGGCGGCGGCGGCGGCGGCGGCGGCGGCGGCAGC[A>G]GCAGCGGCTTCCTCGGGGGGTTGTGATTCGCTCACAGGAGCCATTGACGGGAGAAGAGGA-3'